The following is an entry in ClinVar:

NC_000016.9:g.(?_89828179)_(89838178_?)del

Gene: FANCA (FA complementation group A; minus strand). Cytogenetic location: 16q24.3.
Variant type: Deletion.
Identifiers: ClinVar variation 3243294 (VCV003243294.1).

ClinVar aggregate classification (germline): Pathogenic (1 of 4 stars; one submission).

Conditions:
Fanconi anemia (FA). Also called: Fanconi's anemia. Identifiers: Orphanet 84, MedGen C0015625, MeSH D005199, MONDO:0019391.

Submission:

Labcorp Genetics (formerly Invitae), Labcorp
Classification: Pathogenic for Fanconi anemia. Last evaluated: 2023-11-27. Review status: criteria provided, single submitter. Criteria: Invitae Variant Classification Sherloc (09022015). Collection method: clinical testing. Allele origin: unknown.
Comment: This variant results in the deletion of exons 24-29 and part of exon 23 (c.2059_2852+178del) of the FANCA gene. It is expected to disrupt RNA splicing. Variants that disrupt the donor or acceptor splice site typically lead to a loss of protein function (PMID: 16199547), and loss-of-function variants in FANCA are known to be pathogenic (PMID: 19367192). This variant has been observed in individual(s) with Fanconi anemia (PMID: 29098742). This variant disrupts a region of the FANCA protein in which other variant(s) (p.Glu936Gly) have been determined to be pathogenic (PMID: 15643609, 17924555). This suggests that this is a clinically significant region of the protein, and that variants that disrupt it are likely to be disease-causing. For these reasons, this variant has been classified as Pathogenic.

Literature cited by the submitters: PubMed 16199547; PubMed 19367192; PubMed 29098742; PubMed 15643609; PubMed 17924555.